The following is an entry in ClinVar:

NM_001267550.2(TTN):c.104482G>T (p.Glu34828Ter)

Genes: TTN (titin; minus strand), TTN-AS1 (TTN antisense RNA 1; plus strand). Cytogenetic location: 2q31.2.
Variant type: single nucleotide variant.
Coding change: c.104482G>T on transcript NM_001267550.2 (MANE Select); coding-DNA position 104482, G replaced by T.
Protein change: p.Glu34828Ter; replaces glutamic acid 34828 with a stop codon.
Molecular consequence: nonsense.
Genome position (GRCh38, 1-based): chr2:178,532,133, C>A on the plus strand (G>T on the coding strand, the complement: TTN is on the minus strand). VCF-style: chr2-178532133-C-A. GRCh37 (hg19) VCF-style: chr2-179396860-C-A.
Other names: c.99559G>T, p.Glu33187Ter (NM_001256850.1); c.77287G>T, p.Glu25763Ter (NM_003319.4); c.96778G>T, p.Glu32260Ter (NM_133378.4); c.77662G>T, p.Glu25888Ter (NM_133432.3); c.77863G>T, p.Glu25955Ter (NM_133437.4); short protein forms E25888*, E25955*, E33187*, E25763*, E32260*, E34828*.
Identifiers: ClinVar variation 4783856 (VCV004783856.2).

ClinVar aggregate classification (germline): Likely pathogenic. Review status: criteria provided, multiple submitters, no conflicts (2 of 4 stars). 2 submissions from 2 submitters: Likely pathogenic (2). Last evaluated 2025-12-13.

Conditions:
TTN-related disorder. Also called: TTN-related condition; TTN-related disease; TTN-related disorders.
Dilated cardiomyopathy 1G (CMD1G). Identifiers: Orphanet 154, MedGen C1858763, MONDO:0011400, OMIM 604145.
Autosomal recessive limb-girdle muscular dystrophy type 2J (LGMDR10). Also called: Limb-girdle muscular dystrophy, type 2J; MUSCULAR DYSTROPHY, LIMB-GIRDLE, AUTOSOMAL RECESSIVE 10. Identifiers: Orphanet 140922, MedGen C1837342, MONDO:0012127, OMIM 608807.

Submissions (2):

Labcorp Genetics (formerly Invitae), Labcorp
Classification: Likely pathogenic for Dilated cardiomyopathy 1G; Autosomal recessive limb-girdle muscular dystrophy type 2J. Last evaluated: 2025-12-13. Review status: criteria provided, single submitter. Criteria: Invitae Variant Classification Sherloc (09022015). Collection method: clinical testing. Allele origin: germline.
Comment: This sequence change creates a premature translational stop signal (p.Glu34828*) in the TTN gene. While this is not anticipated to result in nonsense mediated decay, it is expected to create a truncated TTN protein. This variant is not present in population databases (gnomAD no frequency). This variant has not been reported in the literature in individuals affected with TTN-related conditions. This variant is located in the M band of TTN (PMID: 25589632). Truncating variants in this region have been previously reported in individuals affected with autosomal dominant or autosomal recessive myopathy and muscular dystrophy (PMID: 18948003, 23975875, 24395473). Truncating variants in this region have also been identified in individuals affected with autosomal dominant dilated cardiomyopathy and/or cardio-related conditions (PMID: 27869827, 32964742, internal data). In summary, the currently available evidence indicates that the variant is pathogenic, but additional data are needed to prove that conclusively. Therefore, this variant has been classified as Likely Pathogenic.

Blueprint Genetics
Classification: Likely pathogenic for TTN-related disorders. Last evaluated: 2021-05-03. Review status: criteria provided, single submitter. Criteria: ACMG Guidelines, 2015. Collection method: clinical testing. Allele origin: germline. Affected: yes. Observed: 5 variant alleles.

Literature cited by the submitters: PubMed 25589632 (cited by Labcorp Genetics (formerly Invitae), Labcorp); PubMed 18948003 (cited by Labcorp Genetics (formerly Invitae), Labcorp); PubMed 23975875 (cited by Labcorp Genetics (formerly Invitae), Labcorp); PubMed 24395473 (cited by Labcorp Genetics (formerly Invitae), Labcorp); PubMed 27869827 (cited by Labcorp Genetics (formerly Invitae), Labcorp); PubMed 32964742 (cited by Labcorp Genetics (formerly Invitae), Labcorp).